The following is an entry in ClinVar:

NM_001083962.2(TCF4):c.1665G>C (p.Glu555Asp)

Gene: TCF4 (transcription factor 4; minus strand). Cytogenetic location: 18q21.2.
Variant type: single nucleotide variant.
Coding change: c.1665G>C on transcript NM_001083962.2 (MANE Select); coding-DNA position 1665, G replaced by C.
Protein change: p.Glu555Asp; replaces glutamic acid 555 with aspartic acid.
Molecular consequence: missense variant.
Genome position (GRCh38, 1-based): chr18:55,229,061, C>G on the plus strand (G>C on the coding strand, the complement: TCF4 is on the minus strand). VCF-style: chr18-55229061-C-G. GRCh37 (hg19) VCF-style: chr18-52896292-C-G.
Other names: c.1275G>C, p.Glu425Asp (NM_001348213.2, NM_001330605.3); c.1170G>C, p.Glu390Asp (NM_001348214.2); c.1017G>C, p.Glu339Asp (NM_001348215.2); c.1185G>C, p.Glu395Asp (NM_001348216.2, NM_001243234.2); c.1593G>C, p.Glu531Asp (NM_001348217.1, NM_001348218.2, NM_001243227.2 and 1 more transcripts); c.1581G>C, p.Glu527Asp (NM_001348219.2, NM_001369582.1, NM_001369583.1 and 1 more transcripts); c.1578G>C, p.Glu526Asp (NM_001348220.1, NM_001369584.1, NM_001369585.1); c.1665G>C, p.Glu555Asp (NM_001369567.1, NM_001369568.1); and 14 more; short protein forms E421D, E480D, E526D, E550D, E554D, E395D, E561D, E657D.
Identifiers: ClinVar variation 1964475 (VCV001964475.5), dbSNP rs749911137, ClinGen allele CA8970153.

ClinVar aggregate classification (germline): Uncertain significance (1 of 4 stars; one submission).

Conditions:
Pitt-Hopkins syndrome (PTHS). Also called: ENCEPHALOPATHY, SEVERE EPILEPTIC, WITH AUTONOMIC DYSFUNCTION; MENTAL RETARDATION, SYNDROMAL, WITH INTERMITTENT HYPERVENTILATION. Identifiers: Orphanet 2896, MedGen C1970431, MONDO:0012589, OMIM 610954.

Allele frequency attached by ClinVar (database versions not stated): ExAC 0.00001.
gnomAD v4.1: 6 of 1,614,112 alleles (0.00037%); highest among the groups gnomAD compares: Non-Finnish European, 0.00051%; no homozygotes.

Submission:

Labcorp Genetics (formerly Invitae), Labcorp
Classification: Uncertain significance for Pitt-Hopkins syndrome. Last evaluated: 2023-07-16. Review status: criteria provided, single submitter. Criteria: Invitae Variant Classification Sherloc (09022015). Collection method: clinical testing. Allele origin: germline.
Comment: This sequence change replaces glutamic acid, which is acidic and polar, with aspartic acid, which is acidic and polar, at codon 555 of the TCF4 protein (p.Glu555Asp). In summary, the available evidence is currently insufficient to determine the role of this variant in disease. Therefore, it has been classified as a Variant of Uncertain Significance. Advanced modeling of protein sequence and biophysical properties (such as structural, functional, and spatial information, amino acid conservation, physicochemical variation, residue mobility, and thermodynamic stability) performed at Invitae indicates that this missense variant is not expected to disrupt TCF4 protein function. ClinVar contains an entry for this variant (Variation ID: 1964475). This variant has not been reported in the literature in individuals affected with TCF4-related conditions. This variant is present in population databases (rs749911137, gnomAD 0.0009%).